The following is an entry in ClinVar:

NM_003036.4(SKI):c.1325C>T (p.Ala442Val)

Gene: SKI (SKI proto-oncogene; plus strand). Cytogenetic location: 1p36.32.
Variant type: single nucleotide variant.
Coding change: c.1325C>T on transcript NM_003036.4 (MANE Select); coding-DNA position 1325, C replaced by T.
Protein change: p.Ala442Val; replaces alanine 442 with valine.
Molecular consequence: missense variant.
Genome position (GRCh38, 1-based): chr1:2,303,953, C>T. VCF-style: chr1-2303953-C-T. GRCh37 (hg19) VCF-style: chr1-2235392-C-T.
Other names: short protein forms A442V.
Identifiers: ClinVar variation 2242544 (VCV002242544.5), dbSNP rs780554312, ClinGen allele CA536676.
Genomic context (GRCh38, chr1:2,303,953, plus strand): 5'-CACCGCCGGCCCAGCAGAAGGTTGTGAGCAGCCCTCCGTGTGCCGCCGCCGTCTCCCGGG[C>T]CCCCGAGCCTCTCGCCACTTGCACCCAGCCTCGGAAGCGGAAGCTGACTGTGGACACCCC-3'
Protein context (NP_003027.1, residues 432-452): SPPCAAAVSR[Ala442Val]PEPLATCTQP

ClinVar aggregate classification (germline): Conflicting classifications of pathogenicity. Review status: criteria provided, conflicting classifications (1 of 4 stars). 2 submissions from 2 submitters: Uncertain significance (1); Likely benign (1). Last evaluated 2025-09-14.

Conditions:
Familial thoracic aortic aneurysm and aortic dissection (TAAD). Also called: Thoracic aortic aneurysms and dissections. Identifiers: Orphanet 91387, MedGen C4707243, MONDO:0019625.
Shprintzen-Goldberg syndrome (SGS). Also called: Marfanoid disorder with craniosynostosis type 1; Marfanoid craniosynostosis syndrome; Shprintzen-Goldberg marfanoid syndrome; SHPRINTZEN-GOLDBERG CRANIOSYNOSTOSIS SYNDROME; CRANIOSYNOSTOSIS WITH ARACHNODACTYLY AND ABDOMINAL HERNIAS. Identifiers: Orphanet 2462, MedGen C1321551, MONDO:0008426, OMIM 182212.

Allele frequency attached by ClinVar (database versions not stated): gnomAD 0.00002; TOPMed 0.00001.

Submissions (2):

Labcorp Genetics (formerly Invitae), Labcorp
Classification: Likely benign for Shprintzen-Goldberg syndrome. Last evaluated: 2025-09-14. Review status: criteria provided, single submitter. Criteria: Invitae Variant Classification Sherloc (09022015). Collection method: clinical testing. Allele origin: germline.

Ambry Genetics
Classification: Uncertain significance for Familial thoracic aortic aneurysm and aortic dissection. Last evaluated: 2024-02-09. Review status: criteria provided, single submitter. Criteria: Ambry Variant Classification Scheme 2023. Collection method: clinical testing. Allele origin: germline.
Comment: The p.A442V variant (also known as c.1325C>T), located in coding exon 4 of the SKI gene, results from a C to T substitution at nucleotide position 1325. The alanine at codon 442 is replaced by valine, an amino acid with similar properties. This amino acid position is conserved. In addition, the in silico prediction for this alteration is inconclusive. Based on the available evidence, the clinical significance of this alteration remains unclear.